The following is an entry in ClinVar:

NM_017679.5(BCAS3):c.2077G>A (p.Asp693Asn)

Genes: BCAS3 (BCAS3 microtubule associated cell migration factor; plus strand), BCAS3-AS1 (BCAS3 antisense RNA 1; minus strand). Cytogenetic location: 17q23.2.
Variant type: single nucleotide variant.
Coding change: c.2077G>A on transcript NM_017679.5 (MANE Select); coding-DNA position 2077, G replaced by A.
Protein change: p.Asp693Asn; replaces aspartic acid 693 with asparagine.
Molecular consequence: missense variant.
Genome position (GRCh38, 1-based): chr17:61,074,967, G>A. VCF-style: chr17-61074967-G-A. GRCh37 (hg19) VCF-style: chr17-59152328-G-A.
Other names: c.2122G>A, p.Asp708Asn (NM_001099432.3, NM_001330413.2, NM_001353146.2); c.2077G>A, p.Asp693Asn (NM_001320470.3, NM_001330414.2); c.2212G>A, p.Asp738Asn (NM_001353144.2); c.2167G>A, p.Asp723Asn (NM_001353145.2); short protein forms D693N, D708N, D723N, D738N.
Identifiers: ClinVar variation 2634405 (VCV002634405.1), dbSNP rs201061353, ClinGen allele CA8688738.
Genomic context (GRCh38, chr17:61,074,967, plus strand): 5'-CTTTCTCCTATAGTGGTTCCCCCTGGAAGTCCTGGGCCCATTACTCGACATGGGTCTTAC[G>A]ACAGTTTAGCTTCTGACCATAGTGGACAGGAAGATGAAGAATGGCTTTCCCAGGTAAAAC-3'
Protein context (NP_060149.3, residues 683-703): PGPITRHGSY[Asp693Asn]SLASDHSGQE

ClinVar aggregate classification (germline): Uncertain significance (1 of 4 stars; one submission).

Conditions:
BCAS3-related disorder. Also called: BCAS3-related condition.

Allele frequency attached by ClinVar (database versions not stated): gnomAD 0.00004; gnomAD exomes 0.00007; TOPMed 0.00007; ExAC 0.00017.
gnomAD v4.1: 114 of 1,613,576 alleles (0.0071%); highest among the groups gnomAD compares: Middle Eastern, 0.21%; 1 homozygote.

Submission:

PreventionGenetics, part of Exact Sciences
Classification: Uncertain significance for BCAS3-related condition. Last evaluated: 2023-03-03. Review status: criteria provided, single submitter. Criteria: ACMG Guidelines, 2015. Collection method: clinical testing. Allele origin: germline.
Comment: The BCAS3 c.2212G>A variant is predicted to result in the amino acid substitution p.Asp738Asn. This variant was reported in the heterozygous state in a family with recurrent gastroschisis (described as c.2122G>A (p.Asp708Asn), Salinas-Torres et al. 2020. PubMed ID: 32163230). This variant is reported in 0.11% of alleles in individuals of Latino descent in gnomAD. At this time, the clinical significance of this variant is uncertain due to the absence of conclusive functional and genetic evidence.